The following is an entry in ClinVar:

ClinVar aggregate classification (germline): Likely benign (1 of 4 stars; one submission).

Conditions:
Long QT syndrome (LQTS). Identifiers: MedGen C0023976, MeSH D008133, MONDO:0002442. Disease mechanism: loss of function. Inheritance: Various modes of inheritance.

Submissions (2):

Labcorp Genetics (formerly Invitae), Labcorp
Classification: Likely benign for Long QT syndrome. Last evaluated: 2024-06-03. Review status: criteria provided, single submitter. Criteria: Invitae Variant Classification Sherloc (09022015). Collection method: clinical testing. Allele origin: germline.

Roden Lab, Vanderbilt University Medical Center
No classification provided (evidence only). Condition: Long QT syndrome 5. Review status: no classification provided. Collection method: in vitro. Allele origin: not applicable. Functional consequence: Effect on ion channel function. Not counted in ClinVar's aggregate classification.
ClinVar note: "not provided" was previously submitted as the classification for the variant. However, the classification appeared to be based only on an observation of functional data so it was converted to no classification on 2025-07-30.

NM_000219.6(KCNE1):c.198C>T (p.Ile66=)

Gene: KCNE1 (potassium voltage-gated channel subfamily E regulatory subunit 1; minus strand). Cytogenetic location: 21q22.12.
Variant type: single nucleotide variant.
Coding change: c.198C>T on transcript NM_000219.6 (MANE Select); coding-DNA position 198, C replaced by T.
Protein change: p.Ile66=; no amino-acid change (isoleucine 66 retained).
Molecular consequence: synonymous variant.
Genome position (GRCh38, 1-based): chr21:34,449,437, G>A on the plus strand (C>T on the coding strand, the complement: KCNE1 is on the minus strand). VCF-style: chr21-34449437-G-A. GRCh37 (hg19) VCF-style: chr21-35821735-G-A.
Other names: c.198C>T, p.Ile66= (NM_001127668.4, NM_001127669.4, NM_001127670.4 and 4 more transcripts).
Identifiers: ClinVar variation 3374311 (VCV003374311.4).